The following is an entry in ClinVar:

ClinVar aggregate classification (germline): Pathogenic/Likely pathogenic. Review status: criteria provided, multiple submitters, no conflicts (2 of 4 stars). 2 submissions from 2 submitters: Pathogenic (1); Likely pathogenic (1). Last evaluated 2024-05-12.

Conditions:
VPS13A-related neurodegenerative disease. Also called: VPS13A Disease; LEVINE-CRITCHLEY SYNDROME; Choreoacanthocytosis; Chorea-acanthocytosis; ACANTHOCYTOSIS WITH NEUROLOGIC DISORDER; Choreaacanthocytosis. Identifiers: Orphanet 2388, MedGen C0393576, MONDO:0008695, OMIM 200150.

Allele frequency attached by ClinVar (database versions not stated): gnomAD exomes below 0.00001.
gnomAD v4.1: 1 of 1,611,914 alleles (0.000062%); highest among the groups gnomAD compares: Non-Finnish European, 0.000085%; no homozygotes.

Submissions (2):

Fulgent Genetics
Classification: Likely pathogenic for VPS13A-related neurodegenerative disease. Last evaluated: 2024-05-12. Review status: criteria provided, single submitter. Criteria: ACMG Guidelines, 2015. Collection method: clinical testing. Allele origin: germline.

Labcorp Genetics (formerly Invitae), Labcorp
Classification: Pathogenic. Last evaluated: 2021-08-12. Review status: criteria provided, single submitter. Criteria: Invitae Variant Classification Sherloc (09022015). Collection method: clinical testing. Allele origin: germline.
Comment: For these reasons, this variant has been classified as Pathogenic. This variant has not been reported in the literature in individuals affected with VPS13A-related conditions. This variant is not present in population databases (ExAC no frequency). This sequence change creates a premature translational stop signal (p.Gln2358*) in the VPS13A gene. It is expected to result in an absent or disrupted protein product. Loss-of-function variants in VPS13A are known to be pathogenic (PMID: 12404112, 21598378).

Literature cited by the submitters: PubMed 12404112 (cited by Labcorp Genetics (formerly Invitae), Labcorp); PubMed 21598378 (cited by Labcorp Genetics (formerly Invitae), Labcorp).

NM_033305.3(VPS13A):c.7072C>T (p.Gln2358Ter)

Gene: VPS13A (vacuolar protein sorting 13 homolog A; plus strand). Cytogenetic location: 9q21.2.
Variant type: single nucleotide variant.
Coding change: c.7072C>T on transcript NM_033305.3 (MANE Select); coding-DNA position 7072, C replaced by T.
Protein change: p.Gln2358Ter; replaces glutamine 2358 with a stop codon.
Molecular consequence: nonsense.
Genome position (GRCh38, 1-based): chr9:77,344,198, C>T. VCF-style: chr9-77344198-C-T. GRCh37 (hg19) VCF-style: chr9-79959114-C-T.
Other names: c.6955C>T, p.Gln2319Ter (NM_001018037.2); c.7072C>T, p.Gln2358Ter (NM_001018038.3, NM_015186.4); short protein forms Q2358*, Q2319*.
Identifiers: ClinVar variation 1350569 (VCV001350569.7), dbSNP rs981025037, ClinGen allele CA373852950.
Genomic context (GRCh38, chr9:77,344,198, plus strand): 5'-TAATGTATATTTTAGTGTATCCCCTTTTGGCCTGAGTATGCTTCTAGTAAACTTCTTATT[C>T]AAGTCGAAAGGAGTGAAGATCCTCCCAAAAGGATATATTTTAACAAGCAGGAAAATTGTA-3'